The following is an entry in ClinVar:

ClinVar aggregate classification (germline): Likely benign. Review status: criteria provided, single submitter (1 of 4 stars). 2 submissions from 2 submitters: Likely benign (1). 1 of the submissions does not count toward it. Last evaluated 2025-08-17.

Conditions:
PKD1L1-related disorder. Also called: PKD1L1-related condition.

Allele frequency attached by ClinVar (database versions not stated): TOPMed 0.00003; ExAC 0.00004; gnomAD 0.00004; gnomAD exomes 0.00010.
gnomAD v4.1: 143 of 1,614,048 alleles (0.0089%); highest among the groups gnomAD compares: Non-Finnish European, 0.011%; no homozygotes.

Submissions (2):

Labcorp Genetics (formerly Invitae), Labcorp
Classification: Likely benign. Last evaluated: 2025-08-17. Review status: criteria provided, single submitter. Criteria: Invitae Variant Classification Sherloc (09022015). Collection method: clinical testing. Allele origin: germline.

PreventionGenetics, part of Exact Sciences
Classification: Likely benign for PKD1L1-related condition. Last evaluated: 2021-05-10. Review status: no assertion criteria provided. Collection method: clinical testing. Allele origin: germline. Not counted in ClinVar's aggregate classification.
Comment: This variant is classified as likely benign based on ACMG/AMP sequence variant interpretation guidelines (Richards et al. 2015 PMID: 25741868, with internal and published modifications).

NM_138295.5(PKD1L1):c.4383T>C (p.His1461=)

Gene: PKD1L1 (polycystin 1 like 1, transient receptor potential channel interacting; minus strand). Cytogenetic location: 7p12.3.
Variant type: single nucleotide variant.
Coding change: c.4383T>C on transcript NM_138295.5 (MANE Select); coding-DNA position 4383, T replaced by C.
Protein change: p.His1461=; no amino-acid change (histidine 1461 retained).
Molecular consequence: synonymous variant.
Genome position (GRCh38, 1-based): chr7:47,857,812, A>G on the plus strand (T>C on the coding strand, the complement: PKD1L1 is on the minus strand). VCF-style: chr7-47857812-A-G. GRCh37 (hg19) VCF-style: chr7-47897410-A-G.
Identifiers: ClinVar variation 3057068 (VCV003057068.3), dbSNP rs763850432, ClinGen allele CA4253116.